The following is an entry in ClinVar:

ClinVar aggregate classification (germline): Benign (1 of 4 stars; one submission).

Conditions:
Erythrocytosis, familial, 3 (ECYT3). Identifiers: Orphanet 247511, MedGen C1853286, MONDO:0012353, OMIM 609820.

Allele frequency attached by ClinVar (database versions not stated): gnomAD 0.01120 and 0.01199; TOPMed 0.01312; 1000 Genomes Project 0.01378; 1000 Genomes Project 30x 0.01530.

Submission:

Illumina Laboratory Services, Illumina
Classification: Benign for Erythrocytosis, familial, 3. Last evaluated: 2018-01-13. Review status: criteria provided, single submitter. Criteria: ICSL Variant Classification Criteria 13 December 2019. Collection method: clinical testing. Allele origin: germline.
Comment: This variant was observed in the ICSL laboratory as part of a predisposition screen in an ostensibly healthy population. It had not been previously curated by ICSL or reported in the Human Gene Mutation Database (HGMD: prior to June 1st, 2018), and was therefore a candidate for classification through an automated scoring system. Utilizing variant allele frequency, disease prevalence and penetrance estimates, and inheritance mode, an automated score was calculated to assess if this variant is too frequent to cause the disease. Based on the score and internal cut-off values, a variant classified as benign is not then subjected to further curation. The score for this variant resulted in a classification of benign for this disease.

NM_022051.3(EGLN1):c.*2235C>G

Gene: EGLN1 (egl-9 family hypoxia inducible factor 1; minus strand). Cytogenetic location: 1q42.2.
Variant type: single nucleotide variant.
Coding change: c.*2235C>G on transcript NM_022051.3 (MANE Select); 2235 bases downstream of the stop codon, C replaced by G.
Molecular consequence: 3 prime UTR variant.
Genome position (GRCh38, 1-based): chr1:231,364,176, G>C on the plus strand (C>G on the coding strand, the complement: EGLN1 is on the minus strand). VCF-style: chr1-231364176-G-C. GRCh37 (hg19) VCF-style: chr1-231499922-G-C.
Other names: c.*2296C>G (NM_001377260.1); c.*2341C>G (NM_001377261.1).
Identifiers: ClinVar variation 296145 (VCV000296145.5), dbSNP rs191867, ClinGen allele CA10609311.
Genomic context (GRCh38, chr1:231,364,176, plus strand): 5'-ATTCCTAAGAGAGTATATAAACTTTTCCAAAAAATATACAATTTAAGACCTGTCTGGCAA[G>C]CACAACCCACAGATAGTAGAATCTAATACTTTTTACAACTGTAGAGGTACACATTTGAAT-3'